The following is an entry in ClinVar:

ClinVar aggregate classification (germline): Uncertain significance (1 of 4 stars; one submission).

Conditions:
Cardiovascular phenotype. Identifiers: MedGen CN230736.

Submission:

Ambry Genetics
Classification: Uncertain significance for Cardiovascular phenotype. Last evaluated: 2022-07-19. Review status: criteria provided, single submitter. Criteria: Ambry Variant Classification Scheme 2023. Collection method: clinical testing. Allele origin: germline.
Comment: The p.R68C variant (also known as c.202C>T), located in coding exon 2 of the JAG1 gene, results from a C to T substitution at nucleotide position 202. The arginine at codon 68 is replaced by cysteine, an amino acid with highly dissimilar properties. This amino acid position is conserved. In addition, this alteration is predicted to be deleterious by in silico analysis. Since supporting evidence is limited at this time, the clinical significance of this alteration remains unclear.

NM_000214.3(JAG1):c.202C>T (p.Arg68Cys)

Gene: JAG1 (jagged canonical Notch ligand 1; minus strand). Cytogenetic location: 20p12.2.
Variant type: single nucleotide variant.
Coding change: c.202C>T on transcript NM_000214.3 (MANE Select); coding-DNA position 202, C replaced by T.
Protein change: p.Arg68Cys; replaces arginine 68 with cysteine.
Molecular consequence: missense variant.
Genome position (GRCh38, 1-based): chr20:10,672,886, G>A on the plus strand (C>T on the coding strand, the complement: JAG1 is on the minus strand). VCF-style: chr20-10672886-G-A. GRCh37 (hg19) VCF-style: chr20-10653534-G-A.
Other names: short protein forms R68C.
Identifiers: ClinVar variation 1784735 (VCV001784735.2), dbSNP rs2514537971, ClinGen allele CA408243333.